The following is an entry in ClinVar:

ClinVar aggregate classification (germline): Likely benign. Review status: criteria provided, multiple submitters, no conflicts (2 of 4 stars). 2 submissions from 2 submitters: Likely benign (2). Last evaluated 2025-10-11.

Conditions:
Familial hemiplegic migraine. Identifiers: MedGen C0338484, MONDO:0000700.

Allele frequency attached by ClinVar (database versions not stated): TOPMed below 0.00001; gnomAD exomes 0.00001.
gnomAD v4.1: 4 of 1,591,974 alleles (0.00025%); highest among the groups gnomAD compares: South Asian, 0.0034%; no homozygotes.

Submissions (2):

Labcorp Genetics (formerly Invitae), Labcorp
Classification: Likely benign for Familial hemiplegic migraine. Last evaluated: 2025-10-11. Review status: criteria provided, single submitter. Criteria: Invitae Variant Classification Sherloc (09022015). Collection method: clinical testing. Allele origin: germline.

GeneDx
Classification: Likely benign. Last evaluated: 2016-06-06. Review status: criteria provided, single submitter. Criteria: GeneDx Variant Classification (06012015). Collection method: clinical testing. Allele origin: germline. Affected: yes.
Comment: This variant is considered likely benign or benign based on one or more of the following criteria: it is a conservative change, it occurs at a poorly conserved position in the protein, it is predicted to be benign by multiple in silico algorithms, and/or has population frequency not consistent with disease.

NM_000702.4(ATP1A2):c.496-15T>C

Genes: ATP1A2 (ATPase Na+/K+ transporting subunit alpha 2; plus strand), LOC126805890 (CDK7 strongly-dependent group 2 enhancer GRCh37_chr1:160093987-160095186; plus strand). Cytogenetic location: 1q23.2.
Variant type: single nucleotide variant.
Coding change: c.496-15T>C on transcript NM_000702.4 (MANE Select); 15 bases into the intron before coding-DNA position 496, T replaced by C.
Molecular consequence: intron variant.
Genome position (GRCh38, 1-based): chr1:160,124,281, T>C. VCF-style: chr1-160124281-T-C. GRCh37 (hg19) VCF-style: chr1-160094071-T-C.
Identifiers: ClinVar variation 386794 (VCV000386794.9), dbSNP rs1057522605, ClinGen allele CA16603461.